The following is an entry in ClinVar:

NM_000256.3(MYBPC3):c.2455_2459del (p.Met819fs)

Gene: MYBPC3 (myosin binding protein C3; minus strand). Cytogenetic location: 11p11.2.
Variant type: Deletion.
Coding change: c.2455_2459del on transcript NM_000256.3 (MANE Select); coding-DNA positions 2455 to 2459, 5 bases deleted (ATGCG; older notation c.2455_2459delATGCG).
Protein change: p.Met819fs; shifts the reading frame from methionine 819.
Molecular consequence: frameshift variant.
Genome position (GRCh38, 1-based): chr11:47,337,534-47,337,538, CGCAT deleted on the plus strand (ATGCG on the coding strand, the reverse complement: MYBPC3 is on the minus strand); deleting any 5 consecutive bases within chr11:47,337,534-47,337,539 gives the same sequence; the c. name uses the placement nearest the transcript's 3' end. VCF-style (leftmost placement, unchanged base first): chr11-47337533-CCGCAT-C. GRCh37 (hg19) VCF-style: chr11-47359084-CCGCAT-C.
Other names: c.2455_2459del, p.Met819fs (LRG_386t1); c.2455_2459delATGCG (NM_000256.3); short protein forms M819fs.
Identifiers: ClinVar variation 181079 (VCV000181079.19), dbSNP rs730880652, ClinGen allele CA012310.
Genomic context (GRCh38, chr11:47,337,533, plus strand): 5'-CACGCCCTCGATCATGCGCCGCGCTTCATGACTCAGCTCCTGAATCAGGTCGAAGTTCAG[CCGCAT>C]CCACCGGTAGCTCTTCTTCTTCTTGCGCTCCAGGATGTAGCCTGGCTCAGGGGAGGTGGC-3'

ClinVar aggregate classification (germline): Pathogenic. Review status: criteria provided, multiple submitters, no conflicts (2 of 4 stars). 4 submissions from 4 submitters: Pathogenic (4). Last evaluated 2025-12-23.

Conditions:
Cardiovascular phenotype. Identifiers: MedGen CN230736.
Primary familial hypertrophic cardiomyopathy (HCM). Identifiers: Orphanet 99739, MedGen C0949658, MeSH D024741, MONDO:0024573. Inheritance: Various modes of inheritance.
Hypertrophic cardiomyopathy. Also called: HYPERTROPHIC MYOCARDIOPATHY. Identifiers: Orphanet 217569, MedGen C0007194, MeSH D002312, MONDO:0005045, HP:0001639.

Submissions (4):

GeneDx
Classification: Pathogenic. Last evaluated: 2025-12-23. Review status: criteria provided, single submitter. Criteria: GeneDx Variant Classification Process June 2021. Collection method: clinical testing. Allele origin: germline. Affected: yes.
Comment: Frameshift variant predicted to result in protein truncation or nonsense mediated decay in a gene for which loss-of-function is a known mechanism of disease; Not observed at significant frequency in large population cohorts (gnomAD); This variant is associated with the following publications: (PMID: 29121657, 37652022, 15519027)

Labcorp Genetics (formerly Invitae), Labcorp
Classification: Pathogenic for Hypertrophic cardiomyopathy. Last evaluated: 2025-08-13. Review status: criteria provided, single submitter. Criteria: Invitae Variant Classification Sherloc (09022015). Collection method: clinical testing. Allele origin: germline.
Comment: This sequence change creates a premature translational stop signal (p.Met819Alafs*12) in the MYBPC3 gene. It is expected to result in an absent or disrupted protein product. Loss-of-function variants in MYBPC3 are known to be pathogenic (PMID: 19574547). This variant is not present in population databases (gnomAD no frequency). This premature translational stop signal has been observed in individual(s) with hypertrophic cardiomyopathy (PMID: 15519027, 29121657). This variant is also known as W818 fs/11. ClinVar contains an entry for this variant (Variation ID: 181079). For these reasons, this variant has been classified as Pathogenic.

Ambry Genetics
Classification: Pathogenic for Cardiovascular phenotype. Last evaluated: 2023-06-05. Review status: criteria provided, single submitter. Criteria: Ambry Variant Classification Scheme 2023. Collection method: clinical testing. Allele origin: germline.
Comment: The c.2455_2459delATGCG pathogenic mutation, located in coding exon 25 of the MYBPC3 gene, results from a deletion of 5 nucleotides at nucleotide positions 2455 to 2459, causing a translational frameshift with a predicted alternate stop codon (p.M819Afs*12). This alteration, referred to as W818 fs/11, has been reported in a cohort of individuals with hypertrophic cardiomyopathy (Van Driest SL et al. J. Am. Coll. Cardiol., 2004 Nov;44:1903-10). This variant is considered to be rare based on population cohorts in the Genome Aggregation Database (gnomAD). In addition to the clinical data presented in the literature, this alteration is expected to result in loss of function by premature protein truncation or nonsense-mediated mRNA decay. As such, this alteration is interpreted as a disease-causing mutation.

Women's Health and Genetics/Laboratory Corporation of America, LabCorp
Classification: Pathogenic for Primary familial hypertrophic cardiomyopathy. Last evaluated: 2020-10-01. Review status: criteria provided, single submitter. Criteria: LabCorp Variant Classification Summary - May 2015. Collection method: clinical testing. Allele origin: germline.
Comment: Variant summary: MYBPC3 c.2455_2459delATGCG (p.Met819AlafsX12) results in a premature termination codon, predicted to cause a truncation of the encoded protein or absence of the protein due to nonsense mediated decay, which are commonly known mechanisms for disease. Truncations downstream of this position have been classified as pathogenic by our laboratory. The variant was absent in 249218 control chromosomes. c.2455_2459delATGCG has been reported in the literature in individuals affected with Hypertrophic Cardiomyopathy (example, Van Driest_2004, Viswanathan_2017). To our knowledge, no experimental evidence demonstrating an impact on protein function has been reported. Three clinical diagnostic laboratories have submitted clinical-significance assessments for this variant to ClinVar after 2014 without evidence for independent evaluation. All laboratories classified the variant as pathogenic. Based on the evidence outlined above, the variant was classified as pathogenic.

Literature cited by the submitters: PubMed 19574547 (cited by Labcorp Genetics (formerly Invitae), Labcorp); PubMed 15519027 (cited by 3 submitters); PubMed 29121657 (cited by 3 submitters).